The following is an entry in ClinVar:

NM_001130438.3(SPTAN1):c.1217A>G (p.His406Arg)

Gene: SPTAN1 (spectrin alpha, non-erythrocytic 1; plus strand). Cytogenetic location: 9q34.11.
Variant type: single nucleotide variant.
Coding change: c.1217A>G on transcript NM_001130438.3 (MANE Select); coding-DNA position 1217, A replaced by G.
Protein change: p.His406Arg; replaces histidine 406 with arginine.
Molecular consequence: missense variant.
Genome position (GRCh38, 1-based): chr9:128,578,241, A>G. VCF-style: chr9-128578241-A-G. GRCh37 (hg19) VCF-style: chr9-131340520-A-G.
Other names: c.1217A>G, p.His406Arg (NM_001195532.2, NM_001363759.2, NM_001363765.2 and 5 more transcripts); c.1253A>G, p.His418Arg (NM_001375312.2, NM_001375318.1); c.1217A>G (NM_001130438.2); short protein forms H418R, H406R.
Identifiers: ClinVar variation 1902189 (VCV001902189.8), dbSNP rs2541069133, ClinGen allele CA375052107.

ClinVar aggregate classification (germline): Uncertain significance. Review status: criteria provided, multiple submitters, no conflicts (2 of 4 stars). 4 submissions from 4 submitters: Uncertain significance (4). Last evaluated 2025-06-09.

Conditions:
Inborn genetic diseases. Identifiers: MedGen C0950123, MeSH D030342.
Early-infantile DEE. Also called: Early infantile epileptic encephalopathy; Ohtahara syndrome; Early infantile epileptic encephalopathy with suppression bursts. Identifiers: Orphanet 1934, MedGen C0393706, MONDO:0800491.

Allele frequency attached by ClinVar (database versions not stated): gnomAD exomes below 0.00001.
gnomAD v4.1: 2 of 1,614,168 alleles (0.00012%); highest among the groups gnomAD compares: Admixed American, 0.0033%; no homozygotes.

Submissions (4):

GeneDx
Classification: Uncertain significance. Last evaluated: 2025-06-09. Review status: criteria provided, single submitter. Criteria: GeneDx Variant Classification Process June 2021. Collection method: clinical testing. Allele origin: germline.
Comment: Not observed at significant frequency in large population cohorts (gnomAD); In silico analysis supports that this missense variant has a deleterious effect on protein structure/function; Has not been previously published as pathogenic or benign to our knowledge

Ambry Genetics
Classification: Uncertain significance for Inborn genetic diseases. Last evaluated: 2025-05-20. Review status: criteria provided, single submitter. Criteria: Ambry Variant Classification Scheme 2023. Collection method: clinical testing. Allele origin: germline.

Labcorp Genetics (formerly Invitae), Labcorp
Classification: Uncertain significance for Early-infantile DEE. Last evaluated: 2022-02-28. Review status: criteria provided, single submitter. Criteria: Invitae Variant Classification Sherloc (09022015). Collection method: clinical testing. Allele origin: germline.
Comment: In summary, the available evidence is currently insufficient to determine the role of this variant in disease. Therefore, it has been classified as a Variant of Uncertain Significance. Algorithms developed to predict the effect of missense changes on protein structure and function (SIFT, PolyPhen-2, Align-GVGD) all suggest that this variant is likely to be disruptive. This variant has not been reported in the literature in individuals affected with SPTAN1-related conditions. This variant is not present in population databases (gnomAD no frequency). This sequence change replaces histidine, which is basic and polar, with arginine, which is basic and polar, at codon 406 of the SPTAN1 protein (p.His406Arg).

Blueprint Genetics
Classification: Uncertain significance. Last evaluated: 2021-05-28. Review status: criteria provided, single submitter. Criteria: ACMG Guidelines, 2015. Collection method: clinical testing. Allele origin: germline.